The following is an entry in ClinVar:

NM_001346249.2(RALGAPA1):c.-31TGGCAG[6]

Gene: RALGAPA1 (Ral GTPase activating protein catalytic subunit alpha 1; minus strand). Cytogenetic location: 14q13.2.
Variant type: Microsatellite.
Coding change: c.-31TGGCAG[6] on transcript NM_001346249.2 (MANE Select); six copies in a row of the 6-base unit TGGCAG starting at c.-31; the reference has four copies in a row; two copies, 12 bases duplicated.
Molecular consequence: 5 prime UTR variant.
Genome position (GRCh38, 1-based): chr14:35,808,843-35,808,854, CTGCCACTGCCA duplicated on the plus strand (TGGCAGTGGCAG on the coding strand, the reverse complement: RALGAPA1 is on the minus strand); duplicating any 12 consecutive bases within chr14:35,808,843-35,808,867 gives the same sequence; the position shown is the placement nearest the transcript's 3' end. VCF-style (leftmost placement, unchanged base first): chr14-35808842-G-GCTGCCACTGCCA. GRCh37 (hg19) VCF-style: chr14-36278048-G-GCTGCCACTGCCA.
Other names: c.-31TGGCAG[6] (NM_001283043.3, NM_001283044.3, NM_001330075.3 and 7 more transcripts); c.-19_-8dup (NM_014990.3).
Identifiers: ClinVar variation 4683854 (VCV004683854.1).

ClinVar aggregate classification (germline): Likely benign (1 of 4 stars; one submission).

Submission:

Mayo Clinic Laboratories, Mayo Clinic
Classification: Likely benign. Last evaluated: 2025-06-02. Review status: criteria provided, single submitter. Criteria: ACMG Guidelines, 2015. Collection method: clinical testing. Allele origin: germline. Observed: 1 variant allele.
Comment: BP4, BP7